The following is an entry in ClinVar:

ClinVar aggregate classification (germline): Conflicting classifications of pathogenicity. Review status: criteria provided, conflicting classifications (1 of 4 stars). 2 submissions from 2 submitters: Uncertain significance (1); Likely benign (1). Last evaluated 2025-05-27.

Conditions:
Inborn genetic diseases. Identifiers: MedGen C0950123, MeSH D030342.

gnomAD v4.1: 13 of 1,613,110 alleles (0.00081%); highest among the groups gnomAD compares: Middle Eastern, 0.016%; no homozygotes.

Submissions (2):

GeneDx
Classification: Uncertain significance. Last evaluated: 2025-05-27. Review status: criteria provided, single submitter. Criteria: GeneDx Variant Classification Process June 2021. Collection method: clinical testing. Allele origin: germline. Affected: yes.
Comment: Reported among a cohort of families with autosomal dominant PKD; patient-specific clinical details were not provided (PMID: 35778421); Not observed at significant frequency in large population cohorts (gnomAD); In silico analysis suggests that this missense variant does not alter protein structure/function; This variant is associated with the following publications: (PMID: 35778421)

Ambry Genetics
Classification: Likely benign for Inborn genetic diseases. Last evaluated: 2025-04-02. Review status: criteria provided, single submitter. Criteria: Ambry Variant Classification Scheme 2023. Collection method: clinical testing. Allele origin: germline.

NM_138694.4(PKHD1):c.11741G>A (p.Arg3914Gln)

Gene: PKHD1 (PKHD1 ciliary IPT domain containing fibrocystin/polyductin; minus strand). Cytogenetic location: 6p12.3.
Variant type: single nucleotide variant.
Coding change: c.11741G>A on transcript NM_138694.4 (MANE Select); coding-DNA position 11741, G replaced by A.
Protein change: p.Arg3914Gln; replaces arginine 3914 with glutamine.
Molecular consequence: missense variant.
Genome position (GRCh38, 1-based): chr6:51,627,041, C>T on the plus strand (G>A on the coding strand, the complement: PKHD1 is on the minus strand). VCF-style: chr6-51627041-C-T. GRCh37 (hg19) VCF-style: chr6-51491839-C-T.
Other names: short protein forms R3914Q.
Identifiers: ClinVar variation 3933103 (VCV003933103.2).
Genomic context (GRCh38, chr6:51,627,041, plus strand): 5'-CACCCTCCAAGCTTACCTTCTCCCACCACAGTGTCTTCTTTTTTGGGCCCTTGTGATTCT[C>T]GGCGTTTGGATGAGATGTGGATATGAATATTTTGATTATTAGTCTGGGATTCAGGAATCT-3'
Protein context (NP_619639.3, residues 3904-3924): NIHIHISSKR[Arg3914Gln]ESQGPKKEDT